The following is an entry in ClinVar:

NM_004168.4(SDHA):c.457-3dup

Gene: SDHA (succinate dehydrogenase complex flavoprotein subunit A; plus strand). Cytogenetic location: 5p15.33.
Variant type: Duplication.
Coding change: c.457-3dup on transcript NM_004168.4 (MANE Select); 3 bases into the intron before coding-DNA position 457, one base duplicated (C; older notation c.457-3dupC).
Molecular consequence: intron variant.
Genome position (GRCh38, 1-based): chr5:225,880, C duplicated. VCF-style (leftmost placement, unchanged base first): chr5-225879-A-AC. GRCh37 (hg19) VCF-style: chr5-225994-A-AC.
Other names: c.457-3dup (NM_001330758.2); c.313-3dup (NM_001294332.2).
Identifiers: ClinVar variation 3316848 (VCV003316848.1).
Genomic context (GRCh38, chr5:225,879, plus strand): 5'-TTAGCTGCGAATATCTTGACTCCTTTAAGGTGTTAAGGTTTTTGTTTGTTTTTATCTTTC[A>AC]CAGCTAGAAAATTATGGCATGCCGTTTAGCAGAACTGAAGATGGGAAGATTTATCAGCGT-3'

ClinVar aggregate classification (germline): Uncertain significance (1 of 4 stars; one submission).

Conditions:
Hereditary cancer-predisposing syndrome. Also called: Neoplastic Syndromes, Hereditary; Tumor predisposition; Hereditary neoplastic syndrome; Hereditary Cancer Syndrome. Identifiers: Orphanet 140162, MedGen C0027672, MeSH D009386, MONDO:0015356.

Submission:

Ambry Genetics
Classification: Uncertain significance for Hereditary cancer-predisposing syndrome. Last evaluated: 2024-05-29. Review status: criteria provided, single submitter. Criteria: Ambry Variant Classification Scheme 2023. Collection method: clinical testing. Allele origin: germline.
Comment: The c.457-3dupC intronic variant, results from a duplication of two nucleotides at nucleotide position 457 before intron 4 of the SDHA gene. This nucleotide position is well conserved in available vertebrate species. In silico splice site analysis predicts that this alteration may result in the creation or strengthening of a novel splice acceptor site; however, direct evidence is insufficient at this time (Ambry internal data). Based on the available evidence, the clinical significance of this variant remains unclear.